The following is an entry in ClinVar:

ClinVar aggregate classification (germline): Uncertain significance (1 of 4 stars; one submission).

Conditions:
Cardiomyopathy (CMYO). Also called: Cardiomyopathies. Identifiers: Orphanet 167848, MedGen C0878544, MONDO:0004994, HP:0001638. Inheritance: Various modes of inheritance.

Allele frequency attached by ClinVar (database versions not stated): gnomAD exomes below 0.00001.
gnomAD v4.1: 7 of 1,614,198 alleles (0.00043%); highest among the groups gnomAD compares: Non-Finnish European, 0.00051%; no homozygotes.

Submission:

All of Us Research Program, National Institutes of Health
Classification: Uncertain significance for Cardiomyopathy. Last evaluated: 2023-10-06. Review status: criteria provided, single submitter. Criteria: ACMG Guidelines, 2015. Collection method: clinical testing. Allele origin: germline. Inheritance: Autosomal dominant inheritance. Observed: 1 variant allele, 1 heterozygote.
Comment: This missense variant replaces glycine with aspartic acid at codon 708 of the MYH7 protein. Computational prediction suggests that this variant may have deleterious impact on protein structure and function (internally defined REVEL score threshold >= 0.7, PMID: 27666373). To our knowledge, functional studies have not been reported for this variant. This variant has been reported in two individuals without the overt sign of left ventricular hypertrophy, who had a first-degree relative diagnosed with hypertrophic cardiomyopathy (PMID: 34310159). This variant has not been identified in the general population by the Genome Aggregation Database (gnomAD). The available evidence is insufficient to determine the role of this variant in disease conclusively. Therefore, this variant is classified as a Variant of Uncertain Significance.

This study involves interpretation of variants in research participants for the purpose of population health screening. Participant phenotype was not available at the time of variant classification. Additional details can be found in publication PMID: 35346344, PMCID: PMC8962531

Literature cited by the submitters: PubMed 34310159.

NM_000257.4(MYH7):c.2123G>A (p.Gly708Asp)

Gene: MYH7 (myosin heavy chain 7; minus strand). Cytogenetic location: 14q11.2.
Variant type: single nucleotide variant.
Coding change: c.2123G>A on transcript NM_000257.4 (MANE Select); coding-DNA position 2123, G replaced by A.
Protein change: p.Gly708Asp; replaces glycine 708 with aspartic acid.
Molecular consequence: missense variant.
Genome position (GRCh38, 1-based): chr14:23,426,003, C>T on the plus strand (G>A on the coding strand, the complement: MYH7 is on the minus strand). VCF-style: chr14-23426003-C-T. GRCh37 (hg19) VCF-style: chr14-23895212-C-T.
Other names: c.2123G>A, p.Gly708Asp (NM_001407004.1); short protein forms G708D.
Identifiers: ClinVar variation 3073811 (VCV003073811.1), dbSNP rs397516134, ClinGen allele CA389049081.
Genomic context (GRCh38, chr14:23,426,003, plus strand): 5'-CTGGTGCACCCTCATACCCACCTCTGCCGGAAGTCCCCGTAGAGGATGCGGTTGGGGAAG[C>T]CTTTCCTGCAGATGCGGATGCCCTCCAGCACACCATTGCAGCGCAGCTGGTGCATGACCA-3'
Protein context (NP_000248.2, residues 698-718): VLEGIRICRK[Gly708Asp]FPNRILYGDF